The following is an entry in ClinVar:

NM_005359.6(SMAD4):c.250-5T>G

Gene: SMAD4 (SMAD family member 4; plus strand). Cytogenetic location: 18q21.2.
Variant type: single nucleotide variant.
Coding change: c.250-5T>G on transcript NM_005359.6 (MANE Select); 5 bases into the intron before coding-DNA position 250, T replaced by G.
Molecular consequence: intron variant.
Genome position (GRCh38, 1-based): chr18:51,048,681, T>G. VCF-style: chr18-51048681-T-G. GRCh37 (hg19) VCF-style: chr18-48575051-T-G.
Identifiers: ClinVar variation 1792310 (VCV001792310.2), dbSNP rs1232598459, ClinGen allele CA629586912.

ClinVar aggregate classification (germline): Uncertain significance (1 of 4 stars; one submission).

Conditions:
Familial thoracic aortic aneurysm and aortic dissection (TAAD). Also called: Thoracic aortic aneurysms and dissections. Identifiers: Orphanet 91387, MedGen C4707243, MONDO:0019625.
Hereditary cancer-predisposing syndrome. Also called: Hereditary Cancer Syndrome; Hereditary neoplastic syndrome; Tumor predisposition; Neoplastic Syndromes, Hereditary. Identifiers: Orphanet 140162, MedGen C0027672, MeSH D009386, MONDO:0015356.

gnomAD v4.1: 1 of 1,614,020 alleles (0.000062%); highest among the groups gnomAD compares: Non-Finnish European, 0.000085%; no homozygotes.

Submission:

Ambry Genetics
Classification: Uncertain significance for Hereditary cancer-predisposing syndrome; Familial thoracic aortic aneurysm and aortic dissection. Last evaluated: 2020-02-04. Review status: criteria provided, single submitter. Criteria: Ambry Variant Classification Scheme 2023. Collection method: clinical testing. Allele origin: germline.
Comment: The c.250-5T>G intronic variant results from a T to G substitution 5 nucleotides upstream from coding exon 2 in the SMAD4 gene. This nucleotide position is poorly conserved in available vertebrate species. Using two different splice site prediction tools, this alteration is predicted by ESEfinder to weaken the efficiency of the native splice acceptor site, but is not predicted to have a deleterious effect on this splice acceptor site by BDGP; however, direct evidence is unavailable. Since supporting evidence is limited at this time, the clinical significance of this alteration remains unclear.